The following is an entry in ClinVar:

NM_001958.5(EEF1A2):c.660G>A (p.Glu220=)

Gene: EEF1A2 (eukaryotic translation elongation factor 1 alpha 2; minus strand). Cytogenetic location: 20q13.33.
Variant type: single nucleotide variant.
Coding change: c.660G>A on transcript NM_001958.5 (MANE Select); coding-DNA position 660, G replaced by A.
Protein change: p.Glu220=; no amino-acid change (glutamic acid 220 retained).
Molecular consequence: synonymous variant.
Genome position (GRCh38, 1-based): chr20:63,493,249, C>T on the plus strand (G>A on the coding strand, the complement: EEF1A2 is on the minus strand). VCF-style: chr20-63493249-C-T. GRCh37 (hg19) VCF-style: chr20-62124602-C-T.
Identifiers: ClinVar variation 4534496 (VCV004534496.6).
Genomic context (GRCh38, chr20:63,493,249, plus strand): 5'-GCGCGTGGGGGGCAGGATGGTGTCCAGGGCCTCCAGCAGGGACACGCCGCTTGCGTTGCC[C>T]TCCTTACGCTCCACCTTCCAGCCCTTGAACCACGGCATCTGGACCAAAGGGAGAAAATCA-3'
Protein context (NP_001949.1, residues 210-230): WFKGWKVERK[Glu220=]GNASGVSLLE

ClinVar aggregate classification (germline): Likely benign (1 of 4 stars; one submission).

Submission:

CeGaT Center for Human Genetics Tuebingen
Classification: Likely benign. Last evaluated: 2025-10-01. Review status: criteria provided, single submitter. Criteria: CeGaT Center For Human Genetics Tuebingen Variant Classification Criteria Version 2. Collection method: clinical testing. Allele origin: germline. Affected: yes. Observed: 1 variant allele.
Comment: EEF1A2: PM2:Supporting, BP4, BP7